The following is an entry in ClinVar:

ClinVar aggregate classification (germline): Likely pathogenic. Review status: criteria provided, multiple submitters, no conflicts (2 of 4 stars). 2 submissions from 2 submitters: Likely pathogenic (2). Last evaluated 2024-04-22.

Conditions:
Trimethylaminuria (TMAU). Also called: FISH-ODOR SYNDROME; Fish malodor syndrome; Stale fish syndrome; TMAuria; Primary Trimethylaminuria. Identifiers: MedGen C0342739, MONDO:0011182, OMIM 602079, HP:0003614. Disease mechanism: loss of function.

Allele frequency attached by ClinVar (database versions not stated): gnomAD exomes below 0.00001.
gnomAD v4.1: 3 of 1,613,946 alleles (0.00019%); highest among the groups gnomAD compares: East Asian, 0.0045%; no homozygotes.

Submissions (2):

Fulgent Genetics
Classification: Likely pathogenic for Trimethylaminuria. Last evaluated: 2024-04-22. Review status: criteria provided, single submitter. Criteria: ACMG Guidelines, 2015. Collection method: clinical testing. Allele origin: germline.

Women's Health and Genetics/Laboratory Corporation of America, LabCorp
Classification: Likely pathogenic for Trimethylaminuria. Last evaluated: 2024-04-19. Review status: criteria provided, single submitter. Criteria: LabCorp Variant Classification Summary - May 2015. Collection method: clinical testing. Allele origin: germline.
Comment: Variant summary: FMO3 c.571G>T (p.Gly191Cys) results in a non-conservative amino acid change in the encoded protein sequence. Five of five in-silico tools predict a damaging effect of the variant on protein function. The variant was absent in 251264 control chromosomes. c.571G>T has been reported in the literature as a biallelic genotye in at-least two Japanese individuals affected with Trimethylaminuria (Shimizu_2019 and 2021). At least one publication reports experimental evidence evaluating an impact on protein function in-vitro (Shimizu_2021). The most pronounced variant effect results in <5% of normal trimethylamine/benzydamine N-oxygenation activity (Vmax/Km <5% of WT). Additionally, the FMO3 metabolic capacity of a presumed compound heterozygote with a null allele, p.[(Gly191Cys)];[(Cys197Ter)], was 19% (Shimizu_2021). The following publications have been ascertained in the context of this evaluation (PMID: 34634752, 33831674, 31401033). No submitters have cited clinical-significance assessments for this variant to ClinVar. Based on the evidence outlined above, the variant was classified as likely pathogenic.

Literature cited by the submitters: PubMed 33831674 (cited by Women's Health and Genetics/Laboratory Corporation of America, LabCorp); PubMed 34634752 (cited by Women's Health and Genetics/Laboratory Corporation of America, LabCorp); PubMed 31401033 (cited by Women's Health and Genetics/Laboratory Corporation of America, LabCorp).

NM_001002294.3(FMO3):c.571G>T (p.Gly191Cys)

Genes: FMO3 (flavin containing dimethylaniline monoxygenase 3; plus strand), LOC126805916 (BRD4-independent group 4 enhancer GRCh37_chr1:171076844-171078043; plus strand). Cytogenetic location: 1q24.3.
Variant type: single nucleotide variant.
Coding change: c.571G>T on transcript NM_001002294.3 (MANE Select); coding-DNA position 571, G replaced by T.
Protein change: p.Gly191Cys; replaces glycine 191 with cysteine.
Molecular consequence: missense variant.
Genome position (GRCh38, 1-based): chr1:171,108,165, G>T. VCF-style: chr1-171108165-G-T. GRCh37 (hg19) VCF-style: chr1-171077306-G-T.
Other names: c.511G>T, p.Gly171Cys (NM_001319173.2); c.382G>T, p.Gly128Cys (NM_001319174.2); c.571G>T, p.Gly191Cys (NM_006894.6); short protein forms G128C, G171C, G191C.
Identifiers: ClinVar variation 3251858 (VCV003251858.2), dbSNP rs1655736013.